The following is an entry in ClinVar:

NM_015100.4(POGZ):c.568G>A (p.Ala190Thr)

Gene: POGZ (pogo transposable element derived with ZNF domain; minus strand). Cytogenetic location: 1q21.3.
Variant type: single nucleotide variant.
Coding change: c.568G>A on transcript NM_015100.4 (MANE Select); coding-DNA position 568, G replaced by A.
Protein change: p.Ala190Thr; replaces alanine 190 with threonine.
Molecular consequence: missense variant. On other transcripts: intron variant (1).
Genome position (GRCh38, 1-based): chr1:151,429,603, C>T on the plus strand (G>A on the coding strand, the complement: POGZ is on the minus strand). VCF-style: chr1-151429603-C-T. GRCh37 (hg19) VCF-style: chr1-151402079-C-T.
Other names: c.568G>A, p.Ala190Thr (NM_001194937.2); c.409G>A, p.Ala137Thr (NM_001194938.2, NM_207171.2); c.589G>A, p.Ala197Thr (NM_001410860.1); c.284-1190G>A (NM_145796.4); short protein forms A197T, A190T, A137T.
Identifiers: ClinVar variation 3421880 (VCV003421880.1).

ClinVar aggregate classification (germline): Uncertain significance (1 of 4 stars; one submission).

Conditions:
Inborn genetic diseases. Identifiers: MedGen C0950123, MeSH D030342.

Submission:

Ambry Genetics
Classification: Uncertain significance for Inborn genetic diseases. Last evaluated: 2024-07-24. Review status: criteria provided, single submitter. Criteria: Ambry Variant Classification Scheme 2023. Collection method: clinical testing. Allele origin: germline.
Comment: The c.568G>A (p.A190T) alteration is located in exon 5 (coding exon 4) of the POGZ gene. This alteration results from a G to A substitution at nucleotide position 568, causing the alanine (A) at amino acid position 190 to be replaced by a threonine (T). However, this change occurs in the last base pair of coding exon 4, which makes it likely to have some effect on normal mRNA splicing. This variant was not reported in population-based cohorts in the Genome Aggregation Database (gnomAD). This nucleotide position and this amino acid position are highly conserved in available vertebrate species. This alteration is predicted to be tolerated by in silico analysis. In silico splice site analysis predicts that this alteration may result in the creation or strengthening of a novel splice donor site. Based on insufficient or conflicting evidence, the clinical significance of this alteration remains unclear.